The following is an entry in ClinVar:

NM_000048.4(ASL):c.1331C>T (p.Ala444Val)

Gene: ASL (argininosuccinate lyase; plus strand). Cytogenetic location: 7q11.21.
Variant type: single nucleotide variant.
Coding change: c.1331C>T on transcript NM_000048.4 (MANE Select); coding-DNA position 1331, C replaced by T.
Protein change: p.Ala444Val; replaces alanine 444 with valine.
Molecular consequence: missense variant.
Genome position (GRCh38, 1-based): chr7:66,092,848, C>T. VCF-style: chr7-66092848-C-T. GRCh37 (hg19) VCF-style: chr7-65557835-C-T.
Other names: c.1331C>T, p.Ala444Val (NM_001024943.2); c.1271C>T, p.Ala424Val (NM_001024944.2); c.1253C>T, p.Ala418Val (NM_001024946.2); c.1331C>T (NM_000048.3); short protein forms A418V, A424V, A444V.
Identifiers: ClinVar variation 2678634 (VCV002678634.4), dbSNP rs749788626, ClinGen allele CA4277390.

ClinVar aggregate classification (germline): Conflicting classifications of pathogenicity. Review status: criteria provided, conflicting classifications (1 of 4 stars). 3 submissions from 3 submitters: Likely pathogenic (2); Uncertain significance (1). Last evaluated 2025-10-17.

Conditions:
Argininosuccinate lyase deficiency. Also called: Argininosuccinic aciduria; ARGININOSUCCINIC ACID LYASE DEFICIENCY; ASL DEFICIENCY. Identifiers: Orphanet 23, MedGen C0268547, MONDO:0008815, OMIM 207900, HP:0025630.

Allele frequency attached by ClinVar (database versions not stated): gnomAD exomes below 0.00001; TOPMed 0.00001; ExAC 0.00002.
gnomAD v4.1: 6 of 1,613,156 alleles (0.00037%); highest among the groups gnomAD compares: South Asian, 0.0033%; no homozygotes.

Submissions (3):

Natera, Inc.
Classification: Likely pathogenic for Argininosuccinate lyase deficiency. Last evaluated: 2025-10-17. Review status: criteria provided, single submitter. Criteria: Natera Variant Classification Schema (03/2026). Collection method: clinical testing. Allele origin: germline.
Comment: The c.1331C>T variant in ASL is a missense variant predicted to cause substitution of alanine to valine at amino acid 444. This variant is rare in the general population with a frequency below the threshold expected for the associated phenotype(s). This variant has been observed in one or more individuals affected with the associated recessive disease, as either homozygous or compound heterozygous with a second variant (PMID: 33190319, 12384776). This variant has been identified in one or more affected individual with a phenotype highly consistent with the associated gene (PMID: 33190319). Computational prediction algorithms indicate this variant is likely to affect gene or protein function. Given the available evidence, this variant is classified as Likely Pathogenic.

Women's Health and Genetics/Laboratory Corporation of America, LabCorp
Classification: Uncertain significance. Last evaluated: 2024-07-02. Review status: criteria provided, single submitter. Criteria: LabCorp Variant Classification Summary - May 2015. Collection method: clinical testing. Allele origin: germline.
Comment: Variant summary: ASL c.1331C>T (p.Ala444Val) results in a non-conservative amino acid change in the encoded protein sequence. Five of five in-silico tools predict a damaging effect of the variant on protein function. The variant allele was found at a frequency of 4e-06 in 249910 control chromosomes. c.1331C>T has been reported in the literature as homozygous in an infant baby and as compound heterozygous genotype in another individual affected with Argininosuccinic Aciduria (Staretz-Chacham_2021, Linnebank_2002). These data indicate that the variant may be associated with disease. To our knowledge, no experimental evidence demonstrating an impact on protein function has been reported. The following publications have been ascertained in the context of this evaluation (PMID: 12384776, 33190319). ClinVar contains an entry for this variant (Variation ID: 2678634). Based on the evidence outlined above, the variant was classified as VUS-possibly pathogenic.

Baylor Genetics
Classification: Likely pathogenic for Argininosuccinate lyase deficiency. Last evaluated: 2023-12-10. Review status: criteria provided, single submitter. Criteria: ACMG Guidelines, 2015. Collection method: clinical testing. Allele origin: unknown.

Literature cited by the submitters: PubMed 33190319 (cited by Natera, Inc. and Women's Health and Genetics/Laboratory Corporation of America, LabCorp); PubMed 12384776 (cited by Natera, Inc. and Women's Health and Genetics/Laboratory Corporation of America, LabCorp).